The following is an entry in ClinVar:

NM_000051.4(ATM):c.7650G>T (p.Met2550Ile)

Genes: ATM (ATM serine/threonine kinase; plus strand), C11orf65 (chromosome 11 open reading frame 65; minus strand). Cytogenetic location: 11q22.3.
Variant type: single nucleotide variant.
Coding change: c.7650G>T on transcript NM_000051.4 (MANE Select); coding-DNA position 7650, G replaced by T.
Protein change: p.Met2550Ile; replaces methionine 2550 with isoleucine.
Molecular consequence: missense variant. On other transcripts: intron variant (2).
Genome position (GRCh38, 1-based): chr11:108,331,899, G>T. VCF-style: chr11-108331899-G-T. GRCh37 (hg19) VCF-style: chr11-108202626-G-T.
Other names: c.7650G>T, p.Met2550Ile (NM_001351834.2); c.641-22828C>A (NM_001330368.2); c.*38+3321C>A (NM_001351110.2); short protein forms M2550I.
Identifiers: ClinVar variation 572821 (VCV000572821.9), dbSNP rs1565533594, ClinGen allele CA382560928.

ClinVar aggregate classification (germline): Uncertain significance (1 of 4 stars; one submission).

Conditions:
Ataxia-telangiectasia syndrome (AT). Also called: Cerebello-oculocutaneous telangiectasia; Immunodeficiency with ataxia telangiectasia; Ataxia-telangiectasia, complementation group E; Ataxia-telangiectasia, complementation group D; AT, COMPLEMENTATION GROUP C; ATAXIA-TELANGIECTASIA, COMPLEMENTATION GROUP A. Identifiers: Orphanet 100, MedGen C0004135, MONDO:0008840, OMIM 208900.

Submission:

Labcorp Genetics (formerly Invitae), Labcorp
Classification: Uncertain significance for Ataxia-telangiectasia syndrome. Last evaluated: 2018-04-05. Review status: criteria provided, single submitter. Criteria: Invitae Variant Classification Sherloc (09022015). Collection method: clinical testing. Allele origin: germline.
Comment: This sequence change replaces methionine with isoleucine at codon 2550 of the ATM protein (p.Met2550Ile). The methionine residue is weakly conserved and there is a small physicochemical difference between methionine and isoleucine. This variant is not present in population databases (ExAC no frequency). This variant has not been reported in the literature in individuals with ATM-related disease. Algorithms developed to predict the effect of missense changes on protein structure and function (SIFT, PolyPhen-2, Align-GVGD) all suggest that this variant is likely to be tolerated, but these predictions have not been confirmed by published functional studies and their clinical significance is uncertain. In summary, the available evidence is currently insufficient to determine the role of this variant in disease. Therefore, it has been classified as a Variant of Uncertain Significance.